The following is an entry in ClinVar:

ClinVar aggregate classification (germline): Conflicting classifications of pathogenicity. Review status: criteria provided, conflicting classifications (1 of 4 stars). 3 submissions from 3 submitters: Uncertain significance (1); Likely benign (2). Last evaluated 2025-10-21.

Conditions:
Charcot-Marie-Tooth disease type 2. Also called: Charcot-Marie-Tooth type 2. Identifiers: Orphanet 64746, MedGen C0270914, MONDO:0018993.
GARS1-related disorder. Also called: GARS1-related condition.

Allele frequency attached by ClinVar (database versions not stated): ExAC below 0.00001; gnomAD 0.00002; gnomAD exomes 0.00002; TOPMed 0.00002.
gnomAD v4.1: 70 of 1,570,596 alleles (0.0045%); highest among the groups gnomAD compares: Non-Finnish European, 0.0058%; no homozygotes.

Submissions (3):

PreventionGenetics, part of Exact Sciences
Classification: Likely benign for GARS1-related condition. Last evaluated: 2025-10-21. Review status: criteria provided, single submitter. Criteria: ACMG Guidelines, 2015. Collection method: clinical testing. Allele origin: germline.
Comment: This variant is classified as likely benign based on ACMG/AMP sequence variant interpretation guidelines (Richards et al. 2015 PMID: 25741868, with internal and published modifications).

GeneDx
Classification: Likely benign. Last evaluated: 2017-02-15. Review status: criteria provided, single submitter. Criteria: GeneDx Variant Classification (06012015). Collection method: clinical testing. Allele origin: germline. Affected: yes.
Comment: This variant is considered likely benign or benign based on one or more of the following criteria: it is a conservative change, it occurs at a poorly conserved position in the protein, it is predicted to be benign by multiple in silico algorithms, and/or has population frequency not consistent with disease.

Labcorp Genetics (formerly Invitae), Labcorp
Classification: Uncertain significance for Charcot-Marie-Tooth disease type 2. Last evaluated: 2014-07-24. Review status: criteria provided, single submitter. Criteria: Invitae Variant Classification Sherloc (09022015). Collection method: clinical testing. Allele origin: germline.
Comment: This sequence change falls in the 5'UTR of the GARS gene. It does not change the protein sequence and is not predicted to affect splicing, but this prediction has not been confirmed by functional studies. This sequence change has not been reported in affected patients and has not been reported as a common polymorphism in the population. There is no evidence to indicate that this sequence change is pathogenic. It is possible that this sequence change represents a benign polymorphism in the GARS gene, although at this time the evidence is insufficient to prove that conclusively. This sequence change does not fit the missense-only mutation spectrum of the GARS gene.

NM_002047.4(GARS1):c.-6A>G

Gene: GARS1 (glycyl-tRNA synthetase 1; plus strand). Cytogenetic location: 7p14.3.
Variant type: single nucleotide variant.
Coding change: c.-6A>G on transcript NM_002047.4 (MANE Select); 6 bases upstream of the start codon, A replaced by G.
Molecular consequence: 5 prime UTR variant.
Genome position (GRCh38, 1-based): chr7:30,594,916, A>G. VCF-style: chr7-30594916-A-G. GRCh37 (hg19) VCF-style: chr7-30634532-A-G.
Other names: c.-6A>G (NM_002047.3, LRG_243t1); c.-168A>G (NM_001316772.1).
Identifiers: ClinVar variation 507357 (VCV000507357.8), dbSNP rs747409671, ClinGen allele CA4205556.